The following is an entry in ClinVar:

NM_014956.5(CEP164):c.4368G>A (p.Lys1456=)

Gene: CEP164 (centrosomal protein 164; plus strand). Cytogenetic location: 11q23.3.
Variant type: single nucleotide variant.
Coding change: c.4368G>A on transcript NM_014956.5 (MANE Select); coding-DNA position 4368, G replaced by A.
Protein change: p.Lys1456=; no amino-acid change (lysine 1456 retained).
Molecular consequence: synonymous variant.
Genome position (GRCh38, 1-based): chr11:117,412,153, G>A. VCF-style: chr11-117412153-G-A. GRCh37 (hg19) VCF-style: chr11-117282869-G-A.
Other names: c.4353G>A, p.Lys1451= (NM_001271933.2); c.4374G>A, p.Lys1458= (NM_001440949.1); c.4368G>A, p.Lys1456= (NM_001440950.1, NM_001440951.1); c.4359G>A, p.Lys1453= (NM_001440952.1); c.4344G>A, p.Lys1448= (NM_001440953.1); c.4290G>A, p.Lys1430= (NM_001440954.1, NM_001440955.1); c.4281G>A, p.Lys1427= (NM_001440956.1); c.4278G>A, p.Lys1426= (NM_001440957.1); and 21 more.
Identifiers: ClinVar variation 4992110 (VCV004992110.1).

ClinVar aggregate classification (germline): Likely benign (1 of 4 stars; one submission).

Conditions:
CEP164-related disorder. Also called: CEP164-related condition.

gnomAD v4.1: 1 of 1,614,126 alleles (0.000062%); highest among the groups gnomAD compares: Non-Finnish European, 0.000085%; no homozygotes.

Submission:

PreventionGenetics, part of Exact Sciences
Classification: Likely benign for CEP164-related condition. Last evaluated: 2025-09-09. Review status: criteria provided, single submitter. Criteria: ACMG Guidelines, 2015. Collection method: clinical testing. Allele origin: germline.
Comment: This variant is classified as likely benign based on ACMG/AMP sequence variant interpretation guidelines (Richards et al. 2015 PMID: 25741868, with internal and published modifications).